The following is an entry in ClinVar:

NM_130849.4(SLC39A4):c.1154_1419+19del

Gene: SLC39A4 (solute carrier family 39 member 4; minus strand). Cytogenetic location: 8q24.3.
Variant type: Deletion.
Coding change: c.1154_1419+19del on transcript NM_130849.4 (MANE Select); coding-DNA position 1154 through 19 bases into the intron after coding-DNA position 1419, 361 bases deleted.
Molecular consequence: splice acceptor variant, splice donor variant.
Genome position (GRCh38, 1-based): chr8:144,413,731-144,414,091, 361 bases deleted. GRCh37 (hg19): chr8:145,639,118-145,639,478.
Other names: c.872_1137+19del (NM_001374839.1); c.1079_1344+19del (NM_017767.3).
Identifiers: ClinVar variation 3646076 (VCV003646076.2).

ClinVar aggregate classification (germline): Likely pathogenic (1 of 4 stars; one submission).

Submission:

Labcorp Genetics (formerly Invitae), Labcorp
Classification: Likely pathogenic. Last evaluated: 2024-03-14. Review status: criteria provided, single submitter. Criteria: Invitae Variant Classification Sherloc (09022015). Collection method: clinical testing. Allele origin: germline.
Comment: This variant results in the deletion of exon 8 and part of exon 7 (c.1154_1419+19del) of the SLC39A4 gene. It is expected to disrupt RNA splicing. Variants that disrupt the donor or acceptor splice site typically lead to a loss of protein function (PMID: 16199547), and loss-of-function variants in SLC39A4 are known to be pathogenic (PMID: 12955721). This variant is not present in population databases (gnomAD no frequency). This variant has not been reported in the literature in individuals affected with SLC39A4-related conditions. In summary, the currently available evidence indicates that the variant is pathogenic, but additional data are needed to prove that conclusively. Therefore, this variant has been classified as Likely Pathogenic.

Literature cited by the submitters: PubMed 16199547; PubMed 12955721.